The following is an entry in ClinVar:

NM_012330.4(KAT6B):c.1252A>G (p.Thr418Ala)

Gene: KAT6B (lysine acetyltransferase 6B; plus strand). Cytogenetic location: 10q22.2.
Variant type: single nucleotide variant.
Coding change: c.1252A>G on transcript NM_012330.4 (MANE Select); coding-DNA position 1252, A replaced by G.
Protein change: p.Thr418Ala; replaces threonine 418 with alanine.
Molecular consequence: missense variant. On other transcripts: intron variant (11).
Genome position (GRCh38, 1-based): chr10:74,975,589, A>G. VCF-style: chr10-74975589-A-G. GRCh37 (hg19) VCF-style: chr10-76735347-A-G.
Other names: c.1252A>G, p.Thr418Ala (NM_001256468.2, NM_001370136.1, NM_001370137.1 and 1 more transcripts); c.1117+135A>G (NM_001370139.1, NM_001370140.1, NM_001370141.1 and 3 more transcripts); c.846+5814A>G (NM_001370133.1); c.193-3635A>G (NM_001370134.1); c.929-1727A>G (NM_001370143.1, NM_001370144.1); c.193-13430A>G (NM_001370135.1); short protein forms T418A.
Identifiers: ClinVar variation 1051824 (VCV001051824.9), dbSNP rs2133721937, ClinGen allele CA377285467.
Genomic context (GRCh38, chr10:74,975,589, plus strand): 5'-AGATTGGCTGTTACAGACCCCACTCGGCCTGGTGCCACCACCAAAATCACCACCACCTCC[A>G]CCTACATTTCTGCCTCTACACTTAAAGTTAACAAGAAAACCAAAGGGCTCATTGATGGCC-3'
Protein context (NP_036462.2, residues 408-428): GATTKITTTS[Thr418Ala]YISASTLKVN

ClinVar aggregate classification (germline): Uncertain significance (1 of 4 stars; one submission).

Conditions:
Genitopatellar syndrome (GTPTS). Also called: Genitopatellar syndrome (GPS); ABSENT PATELLAE, SCROTAL HYPOPLASIA, RENAL ANOMALIES, FACIAL DYSMORPHISM, AND MENTAL RETARDATION. Identifiers: Orphanet 85201, MedGen C1853566, MONDO:0011640, OMIM 606170.

Submission:

Labcorp Genetics (formerly Invitae), Labcorp
Classification: Uncertain significance for Genitopatellar syndrome. Last evaluated: 2020-04-27. Review status: criteria provided, single submitter. Criteria: Invitae Variant Classification Sherloc (09022015). Collection method: clinical testing. Allele origin: germline.
Comment: In summary, the available evidence is currently insufficient to determine the role of this variant in disease. Therefore, it has been classified as a Variant of Uncertain Significance. Algorithms developed to predict the effect of missense changes on protein structure and function are either unavailable or do not agree on the potential impact of this missense change (SIFT: "Deleterious"; PolyPhen-2: "Possibly Damaging"; Align-GVGD: "Class C0"). This variant has not been reported in the literature in individuals with KAT6B-related conditions. This variant is not present in population databases (ExAC no frequency). This sequence change replaces threonine with alanine at codon 418 of the KAT6B protein (p.Thr418Ala). The threonine residue is moderately conserved and there is a small physicochemical difference between threonine and alanine.